The following is an entry in ClinVar:

ClinVar aggregate classification (germline): Uncertain significance (1 of 4 stars; one submission).

Submission:

ARUP Laboratories, Molecular Genetics and Genomics, ARUP Laboratories
Classification: Uncertain significance. Last evaluated: 2025-02-25. Review status: criteria provided, single submitter. Criteria: ARUP Molecular Germline Variant Investigation Process 2024. Collection method: clinical testing. Allele origin: germline.
Comment: The NEUROD1 c.693C>G; p.Tyr231Ter variant is reported in the literature in one individual affected with maturity-onset diabetes of the young (de Santana 2019). This variant is absent from the Genome Aggregation Database (v2.1.1), indicating it is not a common polymorphism. This variant results in a premature termination codon in the last exon of the NEUROD1 gene. While this may not lead to nonsense-mediated decay, it is expected to create a truncated protein (deleting >10% of the protein). Due to limited information, the clinical significance of this variant is uncertain at this time. References: de Santana LS et al. Targeted sequencing identifies novel variants in common and rare MODY genes. Mol Genet Genomic Med. 2019 Dec;7(12):e962. PMID: 31595705.

NM_002500.5(NEUROD1):c.693C>G (p.Tyr231Ter)

Gene: NEUROD1 (neuronal differentiation 1; minus strand). Cytogenetic location: 2q31.3.
Variant type: single nucleotide variant.
Coding change: c.693C>G on transcript NM_002500.5 (MANE Select); coding-DNA position 693, C replaced by G.
Protein change: p.Tyr231Ter; replaces tyrosine 231 with a stop codon.
Molecular consequence: nonsense.
Genome position (GRCh38, 1-based): chr2:181,678,168, G>C on the plus strand (C>G on the coding strand, the complement: NEUROD1 is on the minus strand). VCF-style: chr2-181678168-G-C. GRCh37 (hg19) VCF-style: chr2-182542895-G-C.
Other names: short protein forms Y231*.
Identifiers: ClinVar variation 4685646 (VCV004685646.1).